The following is an entry in ClinVar:

ClinVar aggregate classification (germline): Uncertain significance (1 of 4 stars; one submission).

Allele frequency attached by ClinVar (database versions not stated): gnomAD exomes below 0.00001; gnomAD 0.00001; TOPMed 0.00002; ESP Exome Variant Server 0.00008.
gnomAD v4.1: 3 of 1,613,514 alleles (0.00019%); highest among the groups gnomAD compares: African/African-American, 0.004%; no homozygotes.

Submission:

Labcorp Genetics (formerly Invitae), Labcorp
Classification: Uncertain significance. Last evaluated: 2024-10-22. Review status: criteria provided, single submitter. Criteria: Invitae Variant Classification Sherloc (09022015). Collection method: clinical testing. Allele origin: germline.
Comment: This sequence change replaces glutamine, which is neutral and polar, with arginine, which is basic and polar, at codon 367 of the ESRRB protein (p.Gln367Arg). This variant is present in population databases (rs372520422, gnomAD 0.01%). This variant has not been reported in the literature in individuals affected with ESRRB-related conditions. ClinVar contains an entry for this variant (Variation ID: 1400184). An algorithm developed to predict the effect of missense changes on protein structure and function (PolyPhen-2) suggests that this variant is likely to be disruptive. In summary, the available evidence is currently insufficient to determine the role of this variant in disease. Therefore, it has been classified as a Variant of Uncertain Significance.

NM_001379180.1(ESRRB):c.1163A>G (p.Gln388Arg)

Gene: ESRRB (estrogen related receptor beta; plus strand). Cytogenetic location: 14q24.3.
Variant type: single nucleotide variant.
Coding change: c.1163A>G on transcript NM_001379180.1 (MANE Select); coding-DNA position 1163, A replaced by G.
Protein change: p.Gln388Arg; replaces glutamine 388 with arginine.
Molecular consequence: missense variant.
Genome position (GRCh38, 1-based): chr14:76,498,256, A>G. VCF-style: chr14-76498256-A-G. GRCh37 (hg19) VCF-style: chr14-76964599-A-G.
Other names: c.1100A>G, p.Gln367Arg (NM_004452.4); short protein forms Q388R, Q367R.
Identifiers: ClinVar variation 1400184 (VCV001400184.8), dbSNP rs372520422, ClinGen allele CA263753890.